The following is an entry in ClinVar:

NM_005219.5(DIAPH1):c.1262G>A (p.Arg421Gln)

Gene: DIAPH1 (diaphanous related formin 1; minus strand). Cytogenetic location: 5q31.3.
Variant type: single nucleotide variant.
Coding change: c.1262G>A on transcript NM_005219.5 (MANE Select); coding-DNA position 1262, G replaced by A.
Protein change: p.Arg421Gln; replaces arginine 421 with glutamine.
Molecular consequence: missense variant.
Genome position (GRCh38, 1-based): chr5:141,577,493, C>T on the plus strand (G>A on the coding strand, the complement: DIAPH1 is on the minus strand). VCF-style: chr5-141577493-C-T. GRCh37 (hg19) VCF-style: chr5-140957060-C-T.
Other names: c.1262G>A (NM_005219.4); c.1235G>A, p.Arg412Gln (NM_001079812.3); c.1262G>A, p.Arg421Gln (NM_001314007.2); short protein forms R412Q, R421Q.
Identifiers: ClinVar variation 1480918 (VCV001480918.8), dbSNP rs754559074, ClinGen allele CA3479346.

ClinVar aggregate classification (germline): Uncertain significance. Review status: criteria provided, multiple submitters, no conflicts (2 of 4 stars). 3 submissions from 3 submitters: Uncertain significance (3). Last evaluated 2025-11-25.

Conditions:
Inborn genetic diseases. Identifiers: MedGen C0950123, MeSH D030342.
Autosomal dominant nonsyndromic hearing loss 1. Also called: DEAFNESS, AUTOSOMAL DOMINANT 1, WITH OR WITHOUT THROMBOCYTOPENIA; KONIGSMARK SYNDROME. Identifiers: Orphanet 90635, MedGen C1852282, MONDO:0007424, OMIM 124900.
Progressive microcephaly-seizures-cortical blindness-developmental delay syndrome. Also called: Seizures, cortical blindness, and microcephaly syndrome. Identifiers: Orphanet 477814, MedGen C5567650, MONDO:0014714, OMIM 616632.

Allele frequency attached by ClinVar (database versions not stated): ExAC 0.00001; gnomAD 0.00001; gnomAD exomes 0.00001.

Submissions (3):

Labcorp Genetics (formerly Invitae), Labcorp
Classification: Uncertain significance for Progressive microcephaly-seizures-cortical blindness-developmental delay syndrome; Autosomal dominant nonsyndromic hearing loss 1. Last evaluated: 2025-11-25. Review status: criteria provided, single submitter. Criteria: Invitae Variant Classification Sherloc (09022015). Collection method: clinical testing. Allele origin: germline.
Comment: This sequence change replaces arginine, which is basic and polar, with glutamine, which is neutral and polar, at codon 421 of the DIAPH1 protein (p.Arg421Gln). This variant is present in population databases (rs754559074, gnomAD 0.007%). This variant has not been reported in the literature in individuals affected with DIAPH1-related conditions. ClinVar contains an entry for this variant (Variation ID: 1480918). Experimental studies and prediction algorithms are not available or were not evaluated, and the functional significance of this variant is currently unknown. Algorithms developed to predict the effect of sequence changes on RNA splicing suggest that this variant may disrupt the consensus splice site. In summary, the available evidence is currently insufficient to determine the role of this variant in disease. Therefore, it has been classified as a Variant of Uncertain Significance.

Ambry Genetics
Classification: Uncertain significance for Inborn genetic diseases. Last evaluated: 2025-10-18. Review status: criteria provided, single submitter. Criteria: Ambry Variant Classification Scheme 2023. Collection method: clinical testing. Allele origin: germline.

GeneDx
Classification: Uncertain significance. Last evaluated: 2023-05-08. Review status: criteria provided, single submitter. Criteria: GeneDx Variant Classification Process June 2021. Collection method: clinical testing. Allele origin: germline. Affected: yes.
Comment: Not observed at significant frequency in large population cohorts (gnomAD); In silico analysis supports that this missense variant has a deleterious effect on protein structure/function; Has not been previously published as pathogenic or benign to our knowledge